The following is an entry in ClinVar:

ClinVar aggregate classification (germline): Uncertain significance (1 of 4 stars; one submission).

Conditions:
Progressive sclerosing poliodystrophy (MTDPS4A). Also called: Mitochondrial DNA depletion syndrome 4A (Alpers type); ALPERS PROGRESSIVE INFANTILE POLIODYSTROPHY; NEURONAL DEGENERATION OF CHILDHOOD WITH LIVER DISEASE, PROGRESSIVE; Mitochondrial DNA Depletion Syndrome 4A; Alpers-Huttenlocher Syndrome (AHS); Alpers Syndrome. Identifiers: Orphanet 726, MedGen C0205710, MONDO:0008758, OMIM 203700.

Allele frequency attached by ClinVar (database versions not stated): gnomAD 0.00001; TOPMed 0.00001.
gnomAD v4.1: 2 of 1,614,010 alleles (0.00012%); highest among the groups gnomAD compares: African/African-American, 0.0027%; no homozygotes.

Submission:

Labcorp Genetics (formerly Invitae), Labcorp
Classification: Uncertain significance for Progressive sclerosing poliodystrophy. Last evaluated: 2022-11-01. Review status: criteria provided, single submitter. Criteria: Invitae Variant Classification Sherloc (09022015). Collection method: clinical testing. Allele origin: germline.
Comment: This sequence change replaces glycine, which is neutral and non-polar, with arginine, which is basic and polar, at codon 1205 of the POLG protein (p.Gly1205Arg). This variant is not present in population databases (gnomAD no frequency). This variant has not been reported in the literature in individuals affected with POLG-related conditions. ClinVar contains an entry for this variant (Variation ID: 1372266). Advanced modeling of protein sequence and biophysical properties (such as structural, functional, and spatial information, amino acid conservation, physicochemical variation, residue mobility, and thermodynamic stability) performed at Invitae indicates that this missense variant is expected to disrupt POLG protein function. In summary, the available evidence is currently insufficient to determine the role of this variant in disease. Therefore, it has been classified as a Variant of Uncertain Significance.

NM_002693.3(POLG):c.3613G>A (p.Gly1205Arg)

Gene: POLG (DNA polymerase gamma, catalytic subunit; minus strand). Cytogenetic location: 15q26.1.
Variant type: single nucleotide variant.
Coding change: c.3613G>A on transcript NM_002693.3 (MANE Select); coding-DNA position 3613, G replaced by A.
Protein change: p.Gly1205Arg; replaces glycine 1205 with arginine.
Molecular consequence: missense variant.
Genome position (GRCh38, 1-based): chr15:89,317,406, C>T on the plus strand (G>A on the coding strand, the complement: POLG is on the minus strand). VCF-style: chr15-89317406-C-T. GRCh37 (hg19) VCF-style: chr15-89860637-C-T.
Other names: c.3613G>A, p.Gly1205Arg (NM_001126131.2); short protein forms G1205R.
Identifiers: ClinVar variation 1372266 (VCV001372266.6), dbSNP rs2055308219, ClinGen allele CA393747307.